The following is an entry in ClinVar:

ClinVar aggregate classification (germline): Likely benign. Review status: criteria provided, multiple submitters, no conflicts (2 of 4 stars). 3 submissions from 3 submitters: Likely benign (3). Last evaluated 2025-08-23.

Conditions:
CNGB1-related disorder. Also called: CNGB1-related condition.

gnomAD v4.1: 30 of 1,593,288 alleles (0.0019%); highest among the groups gnomAD compares: African/African-American, 0.012%; no homozygotes.

Submissions (3):

PreventionGenetics, part of Exact Sciences
Classification: Likely benign for CNGB1-related condition. Last evaluated: 2025-08-23. Review status: criteria provided, single submitter. Criteria: ACMG Guidelines, 2015. Collection method: clinical testing. Allele origin: germline.
Comment: This variant is classified as likely benign based on ACMG/AMP sequence variant interpretation guidelines (Richards et al. 2015 PMID: 25741868, with internal and published modifications).

Labcorp Genetics (formerly Invitae), Labcorp
Classification: Likely benign. Last evaluated: 2023-03-01. Review status: criteria provided, single submitter. Criteria: Invitae Variant Classification Sherloc (09022015). Collection method: clinical testing. Allele origin: germline.

Blueprint Genetics
Classification: Likely benign. Last evaluated: 2019-08-08. Review status: criteria provided, single submitter. Criteria: ACMG Guidelines, 2015. Collection method: clinical testing. Allele origin: germline.

NM_001297.5(CNGB1):c.1643+10C>T

Gene: CNGB1 (cyclic nucleotide gated channel subunit beta 1; minus strand). Cytogenetic location: 16q21.
Variant type: single nucleotide variant.
Coding change: c.1643+10C>T on transcript NM_001297.5 (MANE Select); 10 bases into the intron after coding-DNA position 1643, C replaced by T.
Molecular consequence: intron variant.
Genome position (GRCh38, 1-based): chr16:57,923,263, G>A on the plus strand (C>T on the coding strand, the complement: CNGB1 is on the minus strand). VCF-style: chr16-57923263-G-A. GRCh37 (hg19) VCF-style: chr16-57957167-G-A.
Other names: c.1625+10C>T (NM_001286130.2); c.1643+10C>T (NM_001297.4).
Identifiers: ClinVar variation 1104754 (VCV001104754.11), dbSNP rs758483672, ClinGen allele CA8083371.